The following is an entry in ClinVar:

ClinVar aggregate classification (germline): Likely pathogenic (1 of 4 stars; one submission).

Conditions:
CNKSR1-related disorder. Also called: CNKSR1-related condition.

gnomAD v4.1: 51 of 1,613,546 alleles (0.0032%); highest among the groups gnomAD compares: South Asian, 0.02%; 1 homozygote.

Submission:

3billion
Classification: Likely pathogenic for CNKSR1-related disorder. Last evaluated: 2025-09-10. Review status: criteria provided, single submitter. Criteria: ACMG Guidelines, 2015. Collection method: clinical testing. Allele origin: germline. Affected: yes.
Comment: The variant is observed at an extremely low frequency in the gnomAD v4.1.0 dataset (total allele frequency: 0.003%). Predicted Consequence/Location: Stop-gained (nonsense): predicted to result in a loss or disruption of normal protein function through nonsense-mediated decay (NMD) or protein truncation. Multiple pathogenic variants are reported downstream of the variant. The variant has been reported as of uncertain significance (PMID: 26689913). Therefore, this variant is classified as Likely pathogenic according to the recommendation of ACMG/AMP guideline.

NM_006314.3(CNKSR1):c.1765C>T (p.Gln589Ter)

Gene: CNKSR1 (connector enhancer of kinase suppressor of Ras 1; plus strand). Cytogenetic location: 1p36.11.
Variant type: single nucleotide variant.
Coding change: c.1765C>T on transcript NM_006314.3 (MANE Select); coding-DNA position 1765, C replaced by T.
Protein change: p.Gln589Ter; replaces glutamine 589 with a stop codon.
Molecular consequence: nonsense.
Genome position (GRCh38, 1-based): chr1:26,188,846, C>T. VCF-style: chr1-26188846-C-T. GRCh37 (hg19) VCF-style: chr1-26515337-C-T.
Other names: c.1786C>T, p.Gln596Ter (NM_001297647.2); c.991C>T, p.Gln331Ter (NM_001297648.2); short protein forms Q331*, Q589*, Q596*.
Identifiers: ClinVar variation 4854728 (VCV004854728.1).